The following is an entry in ClinVar:

NM_001378454.1(ALMS1):c.6948G>T (p.Leu2316Phe)

Gene: ALMS1 (ALMS1 centrosome and basal body associated protein; plus strand). Cytogenetic location: 2p13.1.
Variant type: single nucleotide variant.
Coding change: c.6948G>T on transcript NM_001378454.1 (MANE Select); coding-DNA position 6948, G replaced by T.
Protein change: p.Leu2316Phe; replaces leucine 2316 with phenylalanine.
Molecular consequence: missense variant.
Genome position (GRCh38, 1-based): chr2:73,453,475, G>T. VCF-style: chr2-73453475-G-T. GRCh37 (hg19) VCF-style: chr2-73680602-G-T.
Other names: c.6951G>T, p.Leu2317Phe (NM_015120.4); short protein forms L2317F, L2316F.
Identifiers: ClinVar variation 2115815 (VCV002115815.4), dbSNP rs754729193, ClinGen allele CA347290191.

ClinVar aggregate classification (germline): Uncertain significance (1 of 4 stars; one submission).

Conditions:
Alstrom syndrome (ALMS). Identifiers: Orphanet 64, MedGen C0268425, MONDO:0008763, OMIM 203800.

Submission:

Labcorp Genetics (formerly Invitae), Labcorp
Classification: Uncertain significance for Alstrom syndrome. Last evaluated: 2022-03-23. Review status: criteria provided, single submitter. Criteria: Invitae Variant Classification Sherloc (09022015). Collection method: clinical testing. Allele origin: germline.
Comment: In summary, the available evidence is currently insufficient to determine the role of this variant in disease. Therefore, it has been classified as a Variant of Uncertain Significance. Experimental studies and prediction algorithms are not available or were not evaluated, and the functional significance of this variant is currently unknown. This variant has not been reported in the literature in individuals affected with ALMS1-related conditions. This variant is not present in population databases (gnomAD no frequency). This sequence change replaces leucine, which is neutral and non-polar, with phenylalanine, which is neutral and non-polar, at codon 2317 of the ALMS1 protein (p.Leu2317Phe).